The following is an entry in ClinVar:

NM_020928.2(ZSWIM6):c.2929G>T (p.Ala977Ser)

Gene: ZSWIM6 (zinc finger SWIM-type containing 6; plus strand). Cytogenetic location: 5q12.1.
Variant type: single nucleotide variant.
Coding change: c.2929G>T on transcript NM_020928.2 (MANE Select); coding-DNA position 2929, G replaced by T.
Protein change: p.Ala977Ser; replaces alanine 977 with serine.
Molecular consequence: missense variant.
Genome position (GRCh38, 1-based): chr5:61,543,598, G>T. VCF-style: chr5-61543598-G-T. GRCh37 (hg19) VCF-style: chr5-60839425-G-T.
Other names: short protein forms A977S.
Identifiers: ClinVar variation 4886716 (VCV004886716.2).

ClinVar aggregate classification (germline): Uncertain significance (1 of 4 stars; one submission).

Submission:

Dasa
Classification: Uncertain significance. Last evaluated: 2025-05-05. Review status: criteria provided, single submitter. Criteria: DASA Assertion Criteria. Collection method: clinical testing. Allele origin: germline.
Comment: NM_020928.2(ZSWIM6):c.2929G>T (p.Ala977Ser) is a missense variant that results in the substitution of alanine with serine. This variant is absent from population databases. Computational prediction algorithms are consistent with a benign effect. The currently available literature and clinical evidence are not sufficient to establish a definitive association between this variant and the reported condition. Therefore, this variant is classified as a variant of uncertain significance.